The following is an entry in ClinVar:

NM_000436.4(OXCT1):c.142_146del (p.Glu48fs)

Gene: OXCT1 (3-oxoacid CoA-transferase 1; minus strand). Cytogenetic location: 5p13.1.
Variant type: Deletion.
Coding change: c.142_146del on transcript NM_000436.4 (MANE Select); coding-DNA positions 142 to 146, 5 bases deleted (GAAGC; older notation c.142_146delGAAGC).
Protein change: p.Glu48fs; shifts the reading frame from glutamic acid 48.
Molecular consequence: frameshift variant. On other transcripts: non-coding transcript variant (1).
Genome position (GRCh38, 1-based): chr5:41,862,683-41,862,687, GCTTC deleted on the plus strand (GAAGC on the coding strand, the reverse complement: OXCT1 is on the minus strand). VCF-style (leftmost placement, unchanged base first): chr5-41862682-AGCTTC-A. GRCh37 (hg19) VCF-style: chr5-41862784-AGCTTC-A.
Other names: c.142_146del, p.Glu48fs (NM_001364299.2, NM_001364301.2, NM_001364302.2); c.163_167del, p.Glu55fs (NM_001364300.2); short protein forms E48fs, E55fs.
Identifiers: ClinVar variation 4845307 (VCV004845307.1).

ClinVar aggregate classification (germline): Likely pathogenic (1 of 4 stars; one submission).

Conditions:
Succinyl-CoA acetoacetate transferase deficiency (SCOTD). Also called: Succinyl CoA:3-oxoacid CoA transferase deficiency; 3-Oxoacid CoA Transferase Deficiency; KETOACIDOSIS DUE TO SCOT DEFICIENCY; SCOT DEFICIENCY; SUCCINYL-CoA:3-KETOACID CoA-TRANSFERASE DEFICIENCY. Identifiers: Orphanet 832, MedGen C0342792, MONDO:0009492, OMIM 245050.

Submission:

Centro de Investigaciones en Bioquimica Clinica e Inmunologia, Consejo Nacional de Investigaciones Científicas y Técnicas
Classification: Likely pathogenic for Succinyl-CoA acetoacetate transferase deficiency. Last evaluated: 2026-03-09. Review status: criteria provided, single submitter. Criteria: ACMG Guidelines, 2015. Collection method: research. Allele origin: germline. Inheritance: Autosomal recessive inheritance. Affected: yes. Observed: 1 variant allele.
Comment: The variant results in a frameshift leading to a premature termination codon, which is predicted to result in loss of normal protein function. Loss-of-function is an established disease mechanism for OXCT1-related succinyl-CoA:3-oxoacid CoA transferase deficiency (MIM:245050), fulfilling the PVS1 criterion. The variant is absent from population databases (gnomAD) (PM2_Supporting). Based on the available evidence, this variant is classified as Likely Pathogenic.